The following is an entry in ClinVar:

ClinVar aggregate classification (germline): Uncertain significance. Review status: criteria provided, multiple submitters, no conflicts (2 of 4 stars). 2 submissions from 2 submitters: Uncertain significance (2). Last evaluated 2024-05-17.

gnomAD v4.1: 5 of 1,614,112 alleles (0.00031%); highest among the groups gnomAD compares: Non-Finnish European, 0.00042%; no homozygotes.

Submissions (2):

Labcorp Genetics (formerly Invitae), Labcorp
Classification: Uncertain significance. Last evaluated: 2024-05-17. Review status: criteria provided, single submitter. Criteria: Invitae Variant Classification Sherloc (09022015). Collection method: clinical testing. Allele origin: germline.
Comment: This sequence change replaces asparagine, which is neutral and polar, with histidine, which is basic and polar, at codon 405 of the DBR1 protein (p.Asn405His). This variant is present in population databases (rs149959691, gnomAD no frequency). This variant has not been reported in the literature in individuals affected with DBR1-related conditions. An algorithm developed to predict the effect of missense changes on protein structure and function (PolyPhen-2) suggests that this variant is likely to be tolerated. In summary, the available evidence is currently insufficient to determine the role of this variant in disease. Therefore, it has been classified as a Variant of Uncertain Significance.

Blueprint Genetics
Classification: Uncertain significance. Last evaluated: 2020-11-03. Review status: criteria provided, single submitter. Criteria: ACMG Guidelines, 2015. Collection method: clinical testing. Allele origin: germline.

NM_016216.4(DBR1):c.1213A>C (p.Asn405His)

Gene: DBR1 (debranching RNA lariats 1; minus strand). Cytogenetic location: 3q22.3.
Variant type: single nucleotide variant.
Coding change: c.1213A>C on transcript NM_016216.4 (MANE Select); coding-DNA position 1213, A replaced by C.
Protein change: p.Asn405His; replaces asparagine 405 with histidine.
Molecular consequence: missense variant.
Genome position (GRCh38, 1-based): chr3:138,162,311, T>G on the plus strand (A>C on the coding strand, the complement: DBR1 is on the minus strand). VCF-style: chr3-138162311-T-G. GRCh37 (hg19) VCF-style: chr3-137881153-T-G.
Other names: short protein forms N405H.
Identifiers: ClinVar variation 3730581 (VCV003730581.3).